The following is an entry in ClinVar:

NM_001270974.2(HYDIN):c.8863G>A (p.Val2955Ile)

Gene: HYDIN (HYDIN axonemal central pair apparatus protein; minus strand). Cytogenetic location: 16q22.2.
Variant type: single nucleotide variant.
Coding change: c.8863G>A on transcript NM_001270974.2 (MANE Select); coding-DNA position 8863, G replaced by A.
Protein change: p.Val2955Ile; replaces valine 2955 with isoleucine.
Molecular consequence: missense variant.
Genome position (GRCh38, 1-based): chr16:70,901,189, C>T on the plus strand (G>A on the coding strand, the complement: HYDIN is on the minus strand). VCF-style: chr16-70901189-C-T. GRCh37 (hg19) VCF-style: chr16-70935092-C-T.
Other names: short protein forms V2955I.
Identifiers: ClinVar variation 1312907 (VCV001312907.2), dbSNP rs2076366307, ClinGen allele CA396609672.

ClinVar aggregate classification (germline): Uncertain significance (1 of 4 stars; one submission).

Allele frequency attached by ClinVar (database versions not stated): gnomAD 0.00001.

Submission:

GeneDx
Classification: Uncertain significance. Last evaluated: 2020-08-12. Review status: criteria provided, single submitter. Criteria: GeneDx Variant Classification Process June 2021. Collection method: clinical testing. Allele origin: germline. Affected: yes.
Comment: Not observed in large population cohorts (Lek et al., 2016); In silico analysis supports that this missense variant does not alter protein structure/function; Has not been previously published as pathogenic or benign to our knowledge